The following is an entry in ClinVar:

NM_001374259.2(IL12RB2):c.1409C>G (p.Pro470Arg)

Gene: IL12RB2 (interleukin 12 receptor subunit beta 2; plus strand). Cytogenetic location: 1p31.3.
Variant type: single nucleotide variant.
Coding change: c.1409C>G on transcript NM_001374259.2 (MANE Select); coding-DNA position 1409, C replaced by G.
Protein change: p.Pro470Arg; replaces proline 470 with arginine.
Molecular consequence: missense variant. On other transcripts: non-coding transcript variant (2).
Genome position (GRCh38, 1-based): chr1:67,367,975, C>G. VCF-style: chr1-67367975-C-G. GRCh37 (hg19) VCF-style: chr1-67833658-C-G.
Other names: c.1409C>G, p.Pro470Arg (NM_001319233.1, NM_001559.3, NM_001258214.1 and 2 more transcripts); short protein forms P470R.
Identifiers: ClinVar variation 2745899 (VCV002745899.3), dbSNP rs1210436909, ClinGen allele CA340738249.

ClinVar aggregate classification (germline): Uncertain significance (1 of 4 stars; one submission).

Submission:

Labcorp Genetics (formerly Invitae), Labcorp
Classification: Uncertain significance. Last evaluated: 2023-07-22. Review status: criteria provided, single submitter. Criteria: Invitae Variant Classification Sherloc (09022015). Collection method: clinical testing. Allele origin: germline.
Comment: In summary, the available evidence is currently insufficient to determine the role of this variant in disease. Therefore, it has been classified as a Variant of Uncertain Significance. Algorithms developed to predict the effect of sequence changes on RNA splicing suggest that this variant may create or strengthen a splice site. An algorithm developed to predict the effect of missense changes on protein structure and function (PolyPhen-2) suggests that this variant is likely to be tolerated. This variant has not been reported in the literature in individuals affected with IL12RB2-related conditions. This variant is not present in population databases (gnomAD no frequency). This sequence change replaces proline, which is neutral and non-polar, with arginine, which is basic and polar, at codon 470 of the IL12RB2 protein (p.Pro470Arg).